The following is an entry in ClinVar:

ClinVar aggregate classification (germline): Uncertain significance. Review status: criteria provided, multiple submitters, no conflicts (2 of 4 stars). 2 submissions from 2 submitters: Uncertain significance (2). Last evaluated 2025-04-20.

Conditions:
EGFR-related lung cancer (EGFR). Identifiers: MedGen CN130014.
Hereditary cancer-predisposing syndrome. Also called: Tumor predisposition; Hereditary Cancer Syndrome; Hereditary neoplastic syndrome; Neoplastic Syndromes, Hereditary. Identifiers: Orphanet 140162, MedGen C0027672, MeSH D009386, MONDO:0015356.

gnomAD v4.1: 1 of 1,613,594 alleles (0.000062%); highest among the groups gnomAD compares: African/African-American, 0.0013%; no homozygotes.

Submissions (2):

Labcorp Genetics (formerly Invitae), Labcorp
Classification: Uncertain significance for EGFR-related lung cancer. Last evaluated: 2025-04-20. Review status: criteria provided, single submitter. Criteria: Invitae Variant Classification Sherloc (09022015). Collection method: clinical testing. Allele origin: germline.
Comment: This sequence change replaces arginine, which is basic and polar, with glycine, which is neutral and non-polar, at codon 244 of the EGFR protein (p.Arg244Gly). This variant is present in population databases (no rsID available, gnomAD 0.007%). This variant has not been reported in the literature in individuals affected with EGFR-related conditions. ClinVar contains an entry for this variant (Variation ID: 1466178). Invitae Evidence Modeling of protein sequence and biophysical properties (such as structural, functional, and spatial information, amino acid conservation, physicochemical variation, residue mobility, and thermodynamic stability) indicates that this missense variant is not expected to disrupt EGFR protein function with a negative predictive value of 80%. In summary, the available evidence is currently insufficient to determine the role of this variant in disease. Therefore, it has been classified as a Variant of Uncertain Significance.

Ambry Genetics
Classification: Uncertain significance for Hereditary cancer-predisposing syndrome. Last evaluated: 2024-12-19. Review status: criteria provided, single submitter. Criteria: Ambry Variant Classification Scheme 2023. Collection method: clinical testing. Allele origin: germline.
Comment: The p.R244G variant (also known as c.730C>G), located in coding exon 6 of the EGFR gene, results from a C to G substitution at nucleotide position 730. The arginine at codon 244 is replaced by glycine, an amino acid with dissimilar properties. This amino acid position is well conserved in available vertebrate species. In addition, this alteration is predicted to be deleterious by in silico analysis. Based on the available evidence, the clinical significance of this variant remains unclear.

NM_005228.5(EGFR):c.730C>G (p.Arg244Gly)

Gene: EGFR (epidermal growth factor receptor; plus strand). Cytogenetic location: 7p11.2.
Variant type: single nucleotide variant.
Coding change: c.730C>G on transcript NM_005228.5 (MANE Select); coding-DNA position 730, C replaced by G.
Protein change: p.Arg244Gly; replaces arginine 244 with glycine.
Molecular consequence: missense variant. On other transcripts: intron variant (1).
Genome position (GRCh38, 1-based): chr7:55,152,647, C>G. VCF-style: chr7-55152647-C-G. GRCh37 (hg19) VCF-style: chr7-55220340-C-G.
Other names: c.730C>G, p.Arg244Gly (NM_201282.2, NM_201283.2, NM_201284.2 and 1 more transcripts); c.89-3183C>G (NM_001346941.2); c.595C>G, p.Arg199Gly (NM_001346897.2, NM_001346899.2); c.571C>G, p.Arg191Gly (NM_001346900.2); c.730C>G (NM_005228.3); short protein forms R199G, R244G, R191G.
Identifiers: ClinVar variation 1466178 (VCV001466178.7), dbSNP rs554981236, ClinGen allele CA367577536.